The following is an entry in ClinVar:

ClinVar aggregate classification (germline): Uncertain significance. Review status: criteria provided, single submitter (1 of 4 stars). 2 submissions from 2 submitters: Uncertain significance (1). 1 of the submissions does not count toward it. Last evaluated 2021-08-27.

Conditions:
Familial dysautonomia. Also called: HSAN III; FD. Identifiers: Orphanet 1764, MedGen C0013364, MONDO:0009131, OMIM 223900. Disease mechanism: loss of function.

Allele frequency attached by ClinVar (database versions not stated): ExAC 0.00001; gnomAD 0.00001; gnomAD exomes 0.00001.
gnomAD v4.1: 5 of 1,613,918 alleles (0.00031%); highest among the groups gnomAD compares: Admixed American, 0.005%; no homozygotes.

Submissions (2):

Labcorp Genetics (formerly Invitae), Labcorp
Classification: Uncertain significance. Last evaluated: 2021-08-27. Review status: criteria provided, single submitter. Criteria: Invitae Variant Classification Sherloc (09022015). Collection method: clinical testing. Allele origin: germline.
Comment: This sequence change replaces serine with proline at codon 596 of the ELP1 protein (p.Ser596Pro). The serine residue is weakly conserved and there is a moderate physicochemical difference between serine and proline. This variant is present in population databases (rs749510215, ExAC 0.006%). This variant has not been reported in the literature in individuals affected with ELP1-related conditions. Algorithms developed to predict the effect of missense changes on protein structure and function output the following: SIFT: "Tolerated"; PolyPhen-2: "Benign"; Align-GVGD: "Class C0". The proline amino acid residue is found in multiple mammalian species, which suggests that this missense change does not adversely affect protein function. In summary, the available evidence is currently insufficient to determine the role of this variant in disease. Therefore, it has been classified as a Variant of Uncertain Significance.

Natera, Inc.
Classification: Uncertain significance for Familial dysautonomia. Last evaluated: 2020-11-05. Review status: no assertion criteria provided. Collection method: clinical testing. Allele origin: germline. Not counted in ClinVar's aggregate classification.

NM_003640.5(ELP1):c.1786T>C (p.Ser596Pro)

Gene: ELP1 (elongator acetyltransferase complex subunit 1; minus strand). Cytogenetic location: 9q31.3.
Variant type: single nucleotide variant.
Coding change: c.1786T>C on transcript NM_003640.5 (MANE Select); coding-DNA position 1786, T replaced by C.
Protein change: p.Ser596Pro; replaces serine 596 with proline.
Molecular consequence: missense variant.
Genome position (GRCh38, 1-based): chr9:108,902,907, A>G on the plus strand (T>C on the coding strand, the complement: ELP1 is on the minus strand). VCF-style: chr9-108902907-A-G. GRCh37 (hg19) VCF-style: chr9-111665187-A-G.
Other names: c.1444T>C, p.Ser482Pro (NM_001318360.2); c.739T>C, p.Ser247Pro (NM_001330749.2); short protein forms S247P, S596P, S482P.
Identifiers: ClinVar variation 840456 (VCV000840456.8), dbSNP rs749510215, ClinGen allele CA5174900.